The following is an entry in ClinVar:

ClinVar aggregate classification (germline): Pathogenic (1 of 4 stars; one submission).

Conditions:
Primary ciliary dyskinesia. Also called: Ciliary dyskinesia. Identifiers: Orphanet 244, MedGen C0008780, MONDO:0016575, HP:0012265.

Submission:

Labcorp Genetics (formerly Invitae), Labcorp
Classification: Pathogenic for Primary ciliary dyskinesia. Last evaluated: 2026-01-28. Review status: criteria provided, single submitter. Criteria: Invitae Variant Classification Sherloc (09022015). Collection method: clinical testing. Allele origin: germline.
Comment: This sequence change creates a premature translational stop signal (p.Arg798*) in the CCDC39 gene. It is expected to result in an absent or disrupted protein product. Loss-of-function variants in CCDC39 are known to be pathogenic (PMID: 21131972, 23255504). The frequency data for this variant in the population databases is considered unreliable, as metrics indicate poor data quality at this position in the gnomAD database. This variant has not been reported in the literature in individuals affected with CCDC39-related conditions. ClinVar contains an entry for this variant (Variation ID: 2115243). For these reasons, this variant has been classified as Pathogenic.

Literature cited by the submitters: PubMed 21131972; PubMed 23255504.

NM_181426.2(CCDC39):c.2391_2394del (p.Glu797_Arg798insTer)

Genes: CCDC39 (coiled-coil domain 39 molecular ruler complex subunit; minus strand), TTC14 (tetratricopeptide repeat domain 14; plus strand). Cytogenetic location: 3q26.33.
Variant type: Deletion.
Coding change: c.2391_2394del on transcript NM_181426.2 (MANE Select); coding-DNA positions 2391 to 2394, 4 bases deleted (AAGA; older notation c.2391_2394delAAGA).
Protein change: p.Glu797_Arg798insTer.
Molecular consequence: frameshift variant. On other transcripts: intron variant (1).
Genome position (GRCh38, 1-based): chr3:180,616,838-180,616,841, TCTT deleted on the plus strand (AAGA on the coding strand, the reverse complement: CCDC39 is on the minus strand); deleting any 4 consecutive bases within chr3:180,616,838-180,616,844 gives the same sequence; the c. name uses the placement nearest the transcript's 3' end. VCF-style (leftmost placement, unchanged base first): chr3-180616837-CTCTT-C. GRCh37 (hg19) VCF-style: chr3-180334625-CTCTT-C.
Other names: c.1775-539_1775-536del (NM_001288582.2).
Identifiers: ClinVar variation 2115243 (VCV002115243.4), dbSNP rs749280773, ClinGen allele CA2715693.
Genomic context (GRCh38, chr3:180,616,837, plus strand): 5'-ACTTCAAAAATGTAAATATGAAAGGTCAGTTTTTAAAAGATATCGATACCTGTTTGGTCA[CTCTT>C]TCTAATTTTGGCTTCTGCTCCTCCGTTTCTTTACTTAGTTGAAATGAATAAGCCTGCTTC-3'